The following is an entry in ClinVar:

ClinVar aggregate classification (germline): Uncertain significance (1 of 4 stars; one submission).

Conditions:
Ichthyosis linearis circumflexa. Identifiers: MedGen C0265962, MONDO:0043106, HP:0025810.

Allele frequency attached by ClinVar (database versions not stated): TOPMed below 0.00001; gnomAD exomes 0.00001.
gnomAD v4.1: 8 of 1,613,656 alleles (0.0005%); highest among the groups gnomAD compares: South Asian, 0.0011%; no homozygotes.

Submission:

Labcorp Genetics (formerly Invitae), Labcorp
Classification: Uncertain significance for Ichthyosis linearis circumflexa. Last evaluated: 2018-01-18. Review status: criteria provided, single submitter. Criteria: Invitae Variant Classification Sherloc (09022015). Collection method: clinical testing. Allele origin: germline.
Comment: In summary, the available evidence is currently insufficient to determine the role of this variant in disease. Therefore, it has been classified as a Variant of Uncertain Significance. Algorithms developed to predict the effect of missense changes on protein structure and function output the following: SIFT: "Tolerated"; PolyPhen-2: "Benign"; Align-GVGD: "Class C0". The glycine amino acid residue is found in multiple mammalian species, suggesting that this missense change does not adversely affect protein function. These predictions have not been confirmed by published functional studies and their clinical significance is uncertain. This variant has not been reported in the literature in individuals with SPINK5-related disease. This variant is not present in population databases (ExAC no frequency). This sequence change replaces aspartic acid with glycine at codon 980 of the SPINK5 protein (p.Asp980Gly). The aspartic acid residue is moderately conserved and there is a moderate physicochemical difference between aspartic acid and glycine.

NM_006846.4(SPINK5):c.2939A>G (p.Asp980Gly)

Gene: SPINK5 (serine peptidase inhibitor Kazal type 5; plus strand). Cytogenetic location: 5q32.
Variant type: single nucleotide variant.
Coding change: c.2939A>G on transcript NM_006846.4 (MANE Select); coding-DNA position 2939, A replaced by G.
Protein change: p.Asp980Gly; replaces aspartic acid 980 with glycine.
Molecular consequence: missense variant.
Genome position (GRCh38, 1-based): chr5:148,127,054, A>G. VCF-style: chr5-148127054-A-G. GRCh37 (hg19) VCF-style: chr5-147506617-A-G.
Other names: c.3029A>G, p.Asp1010Gly (NM_001127698.2); short protein forms D980G, D1010G.
Identifiers: ClinVar variation 565645 (VCV000565645.9), dbSNP rs778193022, ClinGen allele CA128942134.